The following is an entry in ClinVar:

ClinVar aggregate classification (germline): Uncertain significance (1 of 4 stars; one submission).

gnomAD v4.1: 3 of 1,614,086 alleles (0.00019%); highest among the groups gnomAD compares: Non-Finnish European, 0.00025%; no homozygotes.

Submission:

Labcorp Genetics (formerly Invitae), Labcorp
Classification: Uncertain significance. Last evaluated: 2025-12-02. Review status: criteria provided, single submitter. Criteria: Invitae Variant Classification Sherloc (09022015). Collection method: clinical testing. Allele origin: germline.
Comment: This sequence change replaces arginine, which is basic and polar, with serine, which is neutral and polar, at codon 562 of the ERCC6 protein (p.Arg562Ser). This variant is not present in population databases (gnomAD no frequency). This variant has not been reported in the literature in individuals affected with ERCC6-related conditions. An algorithm developed to predict the effect of missense changes on protein structure and function (PolyPhen-2) suggests that this variant is likely to be tolerated. Algorithms developed to predict the effect of sequence changes on RNA splicing suggest that this variant may disrupt the consensus splice site. In summary, the available evidence is currently insufficient to determine the role of this variant in disease. Therefore, it has been classified as a Variant of Uncertain Significance.

NM_000124.4(ERCC6):c.1686G>T (p.Arg562Ser)

Gene: ERCC6 (ERCC excision repair 6, chromatin remodeling factor; minus strand). Cytogenetic location: 10q11.23.
Variant type: single nucleotide variant.
Coding change: c.1686G>T on transcript NM_000124.4 (MANE Select); coding-DNA position 1686, G replaced by T.
Protein change: p.Arg562Ser; replaces arginine 562 with serine.
Molecular consequence: missense variant.
Genome position (GRCh38, 1-based): chr10:49,493,252, C>A on the plus strand (G>T on the coding strand, the complement: ERCC6 is on the minus strand). VCF-style: chr10-49493252-C-A. GRCh37 (hg19) VCF-style: chr10-50701298-C-A.
Other names: c.1686G>T, p.Arg562Ser (NM_001346440.2); short protein forms R562S.
Identifiers: ClinVar variation 4732029 (VCV004732029.1).